The following is an entry in ClinVar:

NM_001370466.1(NOD2):c.31A>G (p.Arg11Gly)

Gene: NOD2 (nucleotide binding oligomerization domain containing 2; plus strand). Cytogenetic location: 16q12.1.
Variant type: single nucleotide variant.
Coding change: c.31A>G on transcript NM_001370466.1 (MANE Select); coding-DNA position 31, A replaced by G.
Protein change: p.Arg11Gly; replaces arginine 11 with glycine.
Molecular consequence: missense variant. On other transcripts: non-coding transcript variant (1).
Genome position (GRCh38, 1-based): chr16:50,699,526, A>G. VCF-style: chr16-50699526-A-G. GRCh37 (hg19) VCF-style: chr16-50733437-A-G.
Other names: c.31A>G, p.Arg11Gly (NM_001293557.2); c.112A>G, p.Arg38Gly (NM_022162.3); short protein forms R11G, R38G.
Identifiers: ClinVar variation 1026696 (VCV001026696.7), dbSNP rs903928432, ClinGen allele CA281249959.

ClinVar aggregate classification (germline): Uncertain significance (1 of 4 stars; one submission).

Conditions:
Regional enteritis. Also called: Enteritis, Granulomatous. Identifiers: MedGen C0678202, MeSH D003424.
Blau syndrome (BLAUS). Also called: GRANULOMATOSIS, FAMILIAL JUVENILE SYSTEMIC; GRANULOMATOSIS, FAMILIAL, BLAU TYPE; GRANULOMATOUS INFLAMMATORY ARTHRITIS, DERMATITIS, AND UVEITIS, FAMILIAL; JABS SYNDROME; ARTHROCUTANEOUVEAL GRANULOMATOSIS. Identifiers: Orphanet 90340, MedGen C5201146, MONDO:0008523, OMIM 186580.

Allele frequency attached by ClinVar (database versions not stated): gnomAD exomes below 0.00001; TOPMed 0.00001.
gnomAD v4.1: 3 of 1,613,814 alleles (0.00019%); highest among the groups gnomAD compares: Non-Finnish European, 0.00025%; no homozygotes.

Submission:

Labcorp Genetics (formerly Invitae), Labcorp
Classification: Uncertain significance for Regional enteritis; Blau syndrome. Last evaluated: 2024-10-21. Review status: criteria provided, single submitter. Criteria: Invitae Variant Classification Sherloc (09022015). Collection method: clinical testing. Allele origin: germline.
Comment: This sequence change replaces arginine, which is basic and polar, with glycine, which is neutral and non-polar, at codon 38 of the NOD2 protein (p.Arg38Gly). This variant is not present in population databases (gnomAD no frequency). This variant has not been reported in the literature in individuals affected with NOD2-related conditions. ClinVar contains an entry for this variant (Variation ID: 1026696). Invitae Evidence Modeling of protein sequence and biophysical properties (such as structural, functional, and spatial information, amino acid conservation, physicochemical variation, residue mobility, and thermodynamic stability) has been performed for this missense variant. However, the output from this modeling did not meet the statistical confidence thresholds required to predict the impact of this variant on NOD2 protein function. In summary, the available evidence is currently insufficient to determine the role of this variant in disease. Therefore, it has been classified as a Variant of Uncertain Significance.